The following is an entry in ClinVar:

NM_001372066.1(TFAP2A):c.620_636delinsGGGT (p.Val207fs)

Genes: TFAP2A (transcription factor AP-2 alpha; minus strand), TFAP2A-AS2 (TFAP2A antisense RNA 2; plus strand), LOC121740638 (BRD4-independent group 4 enhancer GRCh37_chr6:10403277-10404476; plus strand). Cytogenetic location: 6p24.3.
Variant type: Indel.
Coding change: c.620_636delinsGGGT on transcript NM_001372066.1 (MANE Select); coding-DNA positions 620 to 636, TGAACCCCAACGAAGTC replaced by GGGT.
Protein change: p.Val207fs; shifts the reading frame from valine 207.
Molecular consequence: frameshift variant. On other transcripts: non-coding transcript variant (1).
Genome position (GRCh38, 1-based): chr6:10,404,642-10,404,658, GACTTCGTTGGGGTTCA replaced by ACCC on the plus strand (TGAACCCCAACGAAGTC replaced by GGGT on the coding strand, the reverse complement: TFAP2A is on the minus strand). VCF-style: chr6-10404642-GACTTCGTTGGGGTTCA-ACCC. GRCh37 (hg19) VCF-style: chr6-10404875-GACTTCGTTGGGGTTCA-ACCC.
Other names: NM_003220.2:c.614_630delinsGGGT; c.596_612delinsGGGT, p.Val199fs (NM_001032280.3); c.602_618delinsGGGT, p.Val201fs (NM_001042425.3); short protein forms V199fs, V201fs, V207fs.
Identifiers: ClinVar variation 3347035 (VCV003347035.1).

ClinVar aggregate classification (germline): Likely pathogenic (0 of 4 stars; one submission).

Conditions:
TFAP2A-related disorder. Also called: TFAP2A-related condition.

Submission:

PreventionGenetics, part of Exact Sciences
Classification: Likely pathogenic for TFAP2A-related condition. Last evaluated: 2024-04-29. Review status: no assertion criteria provided. Collection method: clinical testing. Allele origin: germline.
Comment: The TFAP2A c.614_630delinsGGGT variant is predicted to result in a frameshift and premature protein termination (p.Val205Glyfs*57). To our knowledge, this variant has not been reported in the literature or in a large population database, indicating this variant is rare. Frameshift variants in TFAP2A are expected to be pathogenic. This variant is interpreted as likely pathogenic.